The following is an entry in ClinVar:

ClinVar aggregate classification (germline): Uncertain significance (1 of 4 stars; one submission).

Conditions:
Multiple sulfatase deficiency (MSD). Also called: Mucosulfatidosis; Multiple Sulfatase Deficiency Disease; Sulfatidosis, Juvenile, Austin Type. Identifiers: Orphanet 585, MedGen C0268263, MONDO:0010088, OMIM 272200.

Submission:

Myriad Genetics, Inc.
Classification: Uncertain significance for Multiple sulfatase deficiency. Last evaluated: 2025-08-29. Review status: criteria provided, single submitter. Criteria: Myriad Autosomal Dominant, Autosomal Recessive and X-Linked Classification Criteria (2023). Collection method: clinical testing. Allele origin: unknown.
Comment: NM_182760.3(SUMF1):c.70_84dup15(L24_L28dup) is an in-frame insertion classified as a variant of uncertain significance in the context of multiple sulfatase deficiency. L24_L28dup has not been observed in cases with relevant disease. Relevant functional assessments of this variant are not available in the literature. L24_L28dup has been observed in referenced population frequency databases. In summary, there is insufficient evidence to classify NM_182760.3(SUMF1):c.70_84dup15(L24_L28dup) as pathogenic or benign. Please note: this variant was assessed in the context of healthy population screening.

NM_182760.4(SUMF1):c.70_84dup (p.Leu28_Cys29insLeuLeuSerLeuLeu)

Gene: SUMF1 (sulfatase modifying factor 1; minus strand). Cytogenetic location: 3p26.1.
Variant type: Duplication.
Coding change: c.70_84dup on transcript NM_182760.4 (MANE Select); coding-DNA positions 70 to 84, 15 bases duplicated (CTGCTCTCGCTGCTG).
Protein change: p.Leu28_Cys29insLeuLeuSerLeuLeu.
Molecular consequence: inframe insertion.
Genome position (GRCh38, 1-based): chr3:4,467,162-4,467,176, CAGCAGCGAGAGCAG duplicated on the plus strand (CTGCTCTCGCTGCTG on the coding strand, the reverse complement: SUMF1 is on the minus strand); duplicating any 15 consecutive bases within chr3:4,467,162-4,467,183 gives the same sequence; the c. name uses the placement nearest the transcript's 3' end. VCF-style (leftmost placement, unchanged base first): chr3-4467161-A-ACAGCAGCGAGAGCAG. GRCh37 (hg19) VCF-style: chr3-4508845-A-ACAGCAGCGAGAGCAG.
Other names: c.70_84dup, p.Leu28_Cys29insLeuLeuSerLeuLeu (NM_001164674.2, NM_001164675.2).
Identifiers: ClinVar variation 5003749 (VCV005003749.1).